The following is an entry in ClinVar:

ClinVar aggregate classification (germline): Uncertain significance (1 of 4 stars; one submission).

Conditions:
Juvenile onset Parkinson disease 19A. Also called: PARK19; DNAJC6 Parkinson Disease. Identifiers: Orphanet 391411, MedGen C3809811, MONDO:0014231, OMIM 615528.

Allele frequency attached by ClinVar (database versions not stated): gnomAD exomes 0.00003.
gnomAD v4.1: 46 of 1,613,824 alleles (0.0029%); highest among the groups gnomAD compares: Non-Finnish European, 0.0039%; no homozygotes.

Submission:

Labcorp Genetics (formerly Invitae), Labcorp
Classification: Uncertain significance for Juvenile onset Parkinson disease 19A. Last evaluated: 2022-05-04. Review status: criteria provided, single submitter. Criteria: Invitae Variant Classification Sherloc (09022015). Collection method: clinical testing. Allele origin: germline.
Comment: This sequence change replaces histidine, which is basic and polar, with glutamine, which is neutral and polar, at codon 851 of the DNAJC6 protein (p.His851Gln). This variant is not present in population databases (gnomAD no frequency). In summary, the available evidence is currently insufficient to determine the role of this variant in disease. Therefore, it has been classified as a Variant of Uncertain Significance. Algorithms developed to predict the effect of missense changes on protein structure and function (SIFT, PolyPhen-2, Align-GVGD) all suggest that this variant is likely to be tolerated. This variant has not been reported in the literature in individuals affected with DNAJC6-related conditions.

NM_001256864.2(DNAJC6):c.2553C>G (p.His851Gln)

Gene: DNAJC6 (DnaJ heat shock protein family (Hsp40) member C6; plus strand). Cytogenetic location: 1p31.3.
Variant type: single nucleotide variant.
Coding change: c.2553C>G on transcript NM_001256864.2 (MANE Select); coding-DNA position 2553, C replaced by G.
Protein change: p.His851Gln; replaces histidine 851 with glutamine.
Molecular consequence: missense variant.
Genome position (GRCh38, 1-based): chr1:65,408,702, C>G. VCF-style: chr1-65408702-C-G. GRCh37 (hg19) VCF-style: chr1-65874385-C-G.
Other names: c.2343C>G, p.His781Gln (NM_001256865.2); c.2382C>G, p.His794Gln (NM_014787.4); short protein forms H851Q, H781Q, H794Q.
Identifiers: ClinVar variation 2200237 (VCV002200237.4), dbSNP rs1646099986, ClinGen allele CA340716948.